The following is an entry in ClinVar:

ClinVar aggregate classification (germline): Uncertain significance (1 of 4 stars; one submission).

Submission:

Labcorp Genetics (formerly Invitae), Labcorp
Classification: Uncertain significance. Last evaluated: 2022-12-06. Review status: criteria provided, single submitter. Criteria: Invitae Variant Classification Sherloc (09022015). Collection method: clinical testing. Allele origin: germline.
Comment: Advanced modeling of protein sequence and biophysical properties (such as structural, functional, and spatial information, amino acid conservation, physicochemical variation, residue mobility, and thermodynamic stability) has been performed at Invitae for this missense variant, however the output from this modeling did not meet the statistical confidence thresholds required to predict the impact of this variant on COL4A3 protein function. In summary, the available evidence is currently insufficient to determine the role of this variant in disease. Therefore, it has been classified as a Variant of Uncertain Significance. This variant has not been reported in the literature in individuals affected with COL4A3-related conditions. This variant is not present in population databases (gnomAD no frequency). This sequence change replaces proline, which is neutral and non-polar, with serine, which is neutral and polar, at codon 858 of the COL4A3 protein (p.Pro858Ser).

NM_000091.5(COL4A3):c.2572C>T (p.Pro858Ser)

Genes: COL4A3 (collagen type IV alpha 3 chain; plus strand), MFF-DT (MFF divergent transcript; minus strand). Cytogenetic location: 2q36.3.
Variant type: single nucleotide variant.
Coding change: c.2572C>T on transcript NM_000091.5 (MANE Select); coding-DNA position 2572, C replaced by T.
Protein change: p.Pro858Ser; replaces proline 858 with serine.
Molecular consequence: missense variant.
Genome position (GRCh38, 1-based): chr2:227,282,448, C>T. VCF-style: chr2-227282448-C-T. GRCh37 (hg19) VCF-style: chr2-228147164-C-T.
Other names: short protein forms P858S.
Identifiers: ClinVar variation 1994221 (VCV001994221.4), dbSNP rs2469769987, ClinGen allele CA350850413.